The following is an entry in ClinVar:

ClinVar aggregate classification (germline): Likely benign. Review status: criteria provided, multiple submitters, no conflicts (2 of 4 stars). 3 submissions from 3 submitters: Likely benign (3). Last evaluated 2025-09-01.

Conditions:
Inborn genetic diseases. Identifiers: MedGen C0950123, MeSH D030342.

Allele frequency attached by ClinVar (database versions not stated): gnomAD 0.00001; gnomAD exomes 0.00001 and 0.00004; TOPMed 0.00002; ExAC 0.00003; ESP Exome Variant Server 0.00008.
gnomAD v4.1: 38 of 1,614,024 alleles (0.0024%); highest among the groups gnomAD compares: East Asian, 0.0089%; no homozygotes.

Submissions (3):

CeGaT Center for Human Genetics Tuebingen
Classification: Likely benign. Last evaluated: 2025-09-01. Review status: criteria provided, single submitter. Criteria: CeGaT Center For Human Genetics Tuebingen Variant Classification Criteria Version 2. Collection method: clinical testing. Allele origin: germline. Affected: yes. Observed: 1 variant allele.
Comment: ASXL1: BP4, BP7

Labcorp Genetics (formerly Invitae), Labcorp
Classification: Likely benign. Last evaluated: 2025-01-23. Review status: criteria provided, single submitter. Criteria: Invitae Variant Classification Sherloc (09022015). Collection method: clinical testing. Allele origin: germline.

Ambry Genetics
Classification: Likely benign for Inborn genetic diseases. Last evaluated: 2024-11-21. Review status: criteria provided, single submitter. Criteria: Ambry Variant Classification Scheme 2023. Collection method: clinical testing. Allele origin: germline.

NM_015338.6(ASXL1):c.3378C>T (p.His1126=)

Gene: ASXL1 (ASXL transcriptional regulator 1; plus strand). Cytogenetic location: 20q11.21.
Variant type: single nucleotide variant.
Coding change: c.3378C>T on transcript NM_015338.6 (MANE Select); coding-DNA position 3378, C replaced by T.
Protein change: p.His1126=; no amino-acid change (histidine 1126 retained).
Molecular consequence: synonymous variant.
Genome position (GRCh38, 1-based): chr20:32,436,090, C>T. VCF-style: chr20-32436090-C-T. GRCh37 (hg19) VCF-style: chr20-31023893-C-T.
Other names: c.3195C>T, p.His1065= (NM_001363734.1).
Identifiers: ClinVar variation 338109 (VCV000338109.17), dbSNP rs137912806, ClinGen allele CA9808805.